The following is an entry in ClinVar:

ClinVar aggregate classification (germline): Uncertain significance (1 of 4 stars; one submission).

Allele frequency attached by ClinVar (database versions not stated): gnomAD exomes below 0.00001.
gnomAD v4.1: 1 of 1,613,300 alleles (0.000062%); highest among the groups gnomAD compares: Non-Finnish European, 0.000085%; no homozygotes.

Submission:

Women's Health and Genetics/Laboratory Corporation of America, LabCorp
Classification: Uncertain significance. Last evaluated: 2025-12-04. Review status: criteria provided, single submitter. Criteria: LabCorp Variant Classification Summary - May 2015. Collection method: clinical testing. Allele origin: germline.
Comment: Variant summary: ATM c.5358T>A (p.Phe1786Leu) results in a non-conservative amino acid change in the encoded protein sequence. Algorithms developed to predict the effect of missense changes on protein structure and function are either unavailable or do not agree on the potential impact of this missense change. The variant was absent in 250948 control chromosomes. The available data on variant occurrences in the general population are insufficient to allow any conclusion about variant significance. To our knowledge, no occurrence of c.5358T>A in individuals affected with ATM-related conditions and no experimental evidence demonstrating its impact on protein function have been reported. ClinVar contains an entry for this variant (Variation ID: 495393). Based on the evidence outlined above, the variant was classified as uncertain significance.

NM_000051.4(ATM):c.5358T>A (p.Phe1786Leu)

Gene: ATM (ATM serine/threonine kinase; plus strand). Cytogenetic location: 11q22.3.
Variant type: single nucleotide variant.
Coding change: c.5358T>A on transcript NM_000051.4 (MANE Select); coding-DNA position 5358, T replaced by A.
Protein change: p.Phe1786Leu; replaces phenylalanine 1786 with leucine.
Molecular consequence: missense variant.
Genome position (GRCh38, 1-based): chr11:108,302,891, T>A. VCF-style: chr11-108302891-T-A. GRCh37 (hg19) VCF-style: chr11-108173618-T-A.
Other names: c.5358T>A, p.Phe1786Leu (NM_001351834.2); short protein forms F1786L.
Identifiers: ClinVar variation 495393 (VCV000495393.2), dbSNP rs876659725, ClinGen allele CA382543311.
Genomic context (GRCh38, chr11:108,302,891, plus strand): 5'-TTTCTAATCCCTTTCTTTCTAGTTTTTAGAAGTACCCAGATTTGACAAAGAAAACCCTTT[T>A]GAAGGCCTGGATGATATAAATCTGTGGATTCCTCTAAGTGAAAATCATGACATTTGGATA-3'
Protein context (NP_000042.3, residues 1776-1796): EVPRFDKENP[Phe1786Leu]EGLDDINLWI